The following is an entry in ClinVar:

NM_001710.6(CFB):c.241T>C (p.Ser81Pro)

Gene: CFB (complement factor B; plus strand). Cytogenetic location: 6p21.33.
Variant type: single nucleotide variant.
Coding change: c.241T>C on transcript NM_001710.6 (MANE Select); coding-DNA position 241, T replaced by C.
Protein change: p.Ser81Pro; replaces serine 81 with proline.
Molecular consequence: missense variant.
Genome position (GRCh38, 1-based): chr6:31,946,549, T>C. VCF-style: chr6-31946549-T-C. GRCh37 (hg19) VCF-style: chr6-31914326-T-C.
Other names: short protein forms S81P.
Identifiers: ClinVar variation 4740973 (VCV004740973.1).
Genomic context (GRCh38, chr6:31,946,549, plus strand): 5'-GTGTGTCCTTCTGGCTTCTACCCGTACCCTGTGCAGACACGTACCTGCAGATCTACGGGG[T>C]CCTGGAGCACCCTGAAGACTCAAGACCAAAAGACTGTCAGGAAGGCAGAGTGCAGAGGTT-3'
Protein context (NP_001701.2, residues 71-91): VQTRTCRSTG[Ser81Pro]WSTLKTQDQK

ClinVar aggregate classification (germline): Uncertain significance (1 of 4 stars; one submission).

Submission:

Labcorp Genetics (formerly Invitae), Labcorp
Classification: Uncertain significance. Last evaluated: 2025-03-01. Review status: criteria provided, single submitter. Criteria: Invitae Variant Classification Sherloc (09022015). Collection method: clinical testing. Allele origin: germline.
Comment: This sequence change replaces serine, which is neutral and polar, with proline, which is neutral and non-polar, at codon 81 of the CFB protein (p.Ser81Pro). This variant is not present in population databases (gnomAD no frequency). This variant has not been reported in the literature in individuals affected with CFB-related conditions. Invitae Evidence Modeling of protein sequence and biophysical properties (such as structural, functional, and spatial information, amino acid conservation, physicochemical variation, residue mobility, and thermodynamic stability) indicates that this missense variant is not expected to disrupt CFB protein function with a negative predictive value of 80%. In summary, the available evidence is currently insufficient to determine the role of this variant in disease. Therefore, it has been classified as a Variant of Uncertain Significance.